The following is an entry in ClinVar:

ClinVar aggregate classification (germline): Benign. Review status: criteria provided, single submitter (1 of 4 stars). 2 submissions from 1 submitter: Benign (2). Last evaluated 2018-01-13.

Conditions:
Chondrocalcinosis 2. Also called: CALCIUM GOUT; CALCIUM PYROPHOSPHATE ARTHROPATHY; Familial calcium pyrophosphate deposition. Identifiers: Orphanet 1416, MedGen C0856830, MONDO:0007319, OMIM 118600.
Craniometaphyseal dysplasia, autosomal dominant (CMDD). Identifiers: Orphanet 1522, MedGen C1852502, MONDO:0007397, OMIM 123000.

Allele frequency attached by ClinVar (database versions not stated): gnomAD 0.00041 and 0.00046; TOPMed 0.00046; 1000 Genomes Project 30x 0.00062; 1000 Genomes Project 0.00120.
gnomAD v4.1: 61 of 152,156 alleles (0.04%); highest among the groups gnomAD compares: African/African-American, 0.14%; no homozygotes.

Submissions (2):

Illumina Laboratory Services, Illumina
Classification: Benign for Craniometaphyseal dysplasia, autosomal dominant. Last evaluated: 2018-01-13. Review status: criteria provided, single submitter. Criteria: ICSL Variant Classification Criteria 13 December 2019. Collection method: clinical testing. Allele origin: germline.
Comment: This variant was observed in the ICSL laboratory as part of a predisposition screen in an ostensibly healthy population. It had not been previously curated by ICSL or reported in the Human Gene Mutation Database (HGMD: prior to June 1st, 2018), and was therefore a candidate for classification through an automated scoring system. Utilizing variant allele frequency, disease prevalence and penetrance estimates, and inheritance mode, an automated score was calculated to assess if this variant is too frequent to cause the disease. Based on the score and internal cut-off values, a variant classified as benign is not then subjected to further curation. The score for this variant resulted in a classification of benign for this disease.

Illumina Laboratory Services, Illumina
Classification: Benign for Chondrocalcinosis 2. Last evaluated: 2018-01-13. Review status: criteria provided, single submitter. Criteria: ICSL Variant Classification Criteria 13 December 2019. Collection method: clinical testing. Allele origin: germline.
Comment: the same text as in the submission from Illumina Laboratory Services, Illumina above.

NM_054027.6(ANKH):c.*2200T>C

Genes: ANKH (ANKH inorganic pyrophosphate transport regulator; minus strand), OTULIN (OTU deubiquitinase with linear linkage specificity; plus strand). Cytogenetic location: 5p15.2.
Variant type: single nucleotide variant.
Coding change: c.*2200T>C on transcript NM_054027.6 (MANE Select); 2200 bases downstream of the stop codon, T replaced by C.
Molecular consequence: 3 prime UTR variant.
Genome position (GRCh38, 1-based): chr5:14,708,997, A>G on the plus strand (T>C on the coding strand, the complement: ANKH is on the minus strand). VCF-style: chr5-14708997-A-G. GRCh37 (hg19) VCF-style: chr5-14709106-A-G.
Identifiers: ClinVar variation 351454 (VCV000351454.5), dbSNP rs191334359, ClinGen allele CA10620497.
Genomic context (GRCh38, chr5:14,708,997, plus strand): 5'-GGCTGGAGTGCGATGGCGCGATCTCGGCTCACTACAACCTCTGCCTCCCAGGATCAAGCA[A>G]ATTCTCCTGCCTCAGCCTCCTGAGTAGCTGGGATTACAGGTATGTGCTACCACCCCCAGC-3'